The following is an entry in ClinVar:

ClinVar aggregate classification (germline): Uncertain significance (1 of 4 stars; one submission).

gnomAD v4.1: 1 of 1,613,660 alleles (0.000062%); highest among the groups gnomAD compares: Non-Finnish European, 0.000085%; no homozygotes.

Submission:

GeneDx
Classification: Uncertain significance. Last evaluated: 2025-12-08. Review status: criteria provided, single submitter. Criteria: GeneDx Variant Classification Process June 2021. Collection method: clinical testing. Allele origin: germline.
Comment: Not observed at significant frequency in large population cohorts (gnomAD); In silico analysis suggests that this missense variant does not alter protein structure/function; Has not been previously published as pathogenic or benign to our knowledge

NM_001127222.2(CACNA1A):c.141G>A (p.Met47Ile)

Gene: CACNA1A (calcium voltage-gated channel subunit alpha1 A; minus strand). Cytogenetic location: 19p13.13.
Variant type: single nucleotide variant.
Coding change: c.141G>A on transcript NM_001127222.2 (MANE Select); coding-DNA position 141, G replaced by A.
Protein change: p.Met47Ile; replaces methionine 47 with isoleucine.
Molecular consequence: missense variant.
Genome position (GRCh38, 1-based): chr19:13,506,084, C>T on the plus strand (G>A on the coding strand, the complement: CACNA1A is on the minus strand). VCF-style: chr19-13506084-C-T. GRCh37 (hg19) VCF-style: chr19-13616898-C-T.
Other names: c.141G>A, p.Met47Ile (NM_000068.4, NM_001127221.2, NM_001174080.2 and 1 more transcripts); short protein forms M47I.
Identifiers: ClinVar variation 3902953 (VCV003902953.2).